The following is an entry in ClinVar:

ClinVar aggregate classification (germline): Uncertain significance (1 of 4 stars; one submission).

Conditions:
Immunodeficiency 104. Also called: Severe Combined Immune Deficiency, Autosomal Recessive, TCell -Negative, B Cell-Positive, NK Cell-Positive, IL7R-Related; IMMUNODEFICIENCY 104, SEVERE COMBINED; SCID, AUTOSOMAL RECESSIVE, T CELL-NEGATIVE, B CELL-POSITIVE, NK CELL-POSITIVE; Severe combined immunodeficiency, autosomal recessive, T cell-negative, B cell-positive, NK cell-positive. Identifiers: MedGen C5676890, MONDO:0012163, OMIM 608971.

Allele frequency attached by ClinVar (database versions not stated): TOPMed below 0.00001.
gnomAD v4.1: 1 of 1,613,432 alleles (0.000062%); highest among the groups gnomAD compares: Non-Finnish European, 0.000085%; no homozygotes.

Submission:

Labcorp Genetics (formerly Invitae), Labcorp
Classification: Uncertain significance for Immunodeficiency 104. Last evaluated: 2021-12-29. Review status: criteria provided, single submitter. Criteria: Invitae Variant Classification Sherloc (09022015). Collection method: clinical testing. Allele origin: germline.
Comment: This sequence change replaces isoleucine, which is neutral and non-polar, with valine, which is neutral and non-polar, at codon 283 of the PTPRC protein (p.Ile283Val). This variant is not present in population databases (gnomAD no frequency). This variant has not been reported in the literature in individuals affected with PTPRC-related conditions. ClinVar contains an entry for this variant (Variation ID: 567782). Algorithms developed to predict the effect of missense changes on protein structure and function output the following: SIFT: "Tolerated"; PolyPhen-2: "Benign"; Align-GVGD: "Class C0". The valine amino acid residue is found in multiple mammalian species, which suggests that this missense change does not adversely affect protein function. In summary, the available evidence is currently insufficient to determine the role of this variant in disease. Therefore, it has been classified as a Variant of Uncertain Significance.

NM_002838.5(PTPRC):c.847A>G (p.Ile283Val)

Gene: PTPRC (protein tyrosine phosphatase receptor type C; plus strand). Cytogenetic location: 1q32.1.
Variant type: single nucleotide variant.
Coding change: c.847A>G on transcript NM_002838.5 (MANE Select); coding-DNA position 847, A replaced by G.
Protein change: p.Ile283Val; replaces isoleucine 283 with valine.
Molecular consequence: missense variant.
Genome position (GRCh38, 1-based): chr1:198,706,895, A>G. VCF-style: chr1-198706895-A-G. GRCh37 (hg19) VCF-style: chr1-198676024-A-G.
Other names: c.364A>G, p.Ile122Val (NM_080921.4); short protein forms I283V, I122V.
Identifiers: ClinVar variation 567782 (VCV000567782.6), dbSNP rs1240486262, ClinGen allele CA344033784.